The following is an entry in ClinVar:

NM_001212.4(C1QBP):c.-4C>T

Genes: C1QBP (complement C1q binding protein; minus strand), LOC130060075 (ATAC-STARR-seq lymphoblastoid silent region 8070; plus strand). Cytogenetic location: 17p13.2.
Variant type: single nucleotide variant.
Coding change: c.-4C>T on transcript NM_001212.4 (MANE Select); 4 bases upstream of the start codon, C replaced by T.
Molecular consequence: 5 prime UTR variant.
Genome position (GRCh38, 1-based): chr17:5,439,077, G>A on the plus strand (C>T on the coding strand, the complement: C1QBP is on the minus strand). VCF-style: chr17-5439077-G-A. GRCh37 (hg19) VCF-style: chr17-5342397-G-A.
Identifiers: ClinVar variation 3035369 (VCV003035369.2), dbSNP rs141751568, ClinGen allele CA8325367.

ClinVar aggregate classification (germline): Likely benign (0 of 4 stars; one submission).

Conditions:
C1QBP-related disorder. Also called: C1QBP-related condition.

Allele frequency attached by ClinVar (database versions not stated): ExAC 0.00018; ESP Exome Variant Server 0.00044; 1000 Genomes Project 0.00080; 1000 Genomes Project 30x 0.00109.
gnomAD v4.1: 175 of 1,540,246 alleles (0.011%); highest among the groups gnomAD compares: African/African-American, 0.21%; 1 homozygote.

Submission:

PreventionGenetics, part of Exact Sciences
Classification: Likely benign for C1QBP-related condition. Last evaluated: 2023-10-02. Review status: no assertion criteria provided. Collection method: clinical testing. Allele origin: germline.
Comment: This variant is classified as likely benign based on ACMG/AMP sequence variant interpretation guidelines (Richards et al. 2015 PMID: 25741868, with internal and published modifications).